The following is an entry in ClinVar:

ClinVar aggregate classification (germline): Uncertain significance (1 of 4 stars; one submission).

Submission:

Labcorp Genetics (formerly Invitae), Labcorp
Classification: Uncertain significance. Last evaluated: 2024-04-25. Review status: criteria provided, single submitter. Criteria: Invitae Variant Classification Sherloc (09022015). Collection method: clinical testing. Allele origin: germline.
Comment: This sequence change replaces methionine, which is neutral and non-polar, with valine, which is neutral and non-polar, at codon 12 of the CTNNB1 protein (p.Met12Val). This variant is not present in population databases (gnomAD no frequency). This variant has not been reported in the literature in individuals affected with CTNNB1-related conditions. An algorithm developed to predict the effect of missense changes on protein structure and function (PolyPhen-2) suggests that this variant is likely to be tolerated. In summary, the available evidence is currently insufficient to determine the role of this variant in disease. Therefore, it has been classified as a Variant of Uncertain Significance.

NM_001904.4(CTNNB1):c.34A>G (p.Met12Val)

Genes: CTNNB1 (catenin beta 1; plus strand), LOC126806658 (BRD4-independent group 4 enhancer GRCh37_chr3:41265899-41267098; plus strand). Cytogenetic location: 3p22.1.
Variant type: single nucleotide variant.
Coding change: c.34A>G on transcript NM_001904.4 (MANE Select); coding-DNA position 34, A replaced by G.
Protein change: p.Met12Val; replaces methionine 12 with valine.
Molecular consequence: missense variant.
Genome position (GRCh38, 1-based): chr3:41,224,546, A>G. VCF-style: chr3-41224546-A-G. GRCh37 (hg19) VCF-style: chr3-41266037-A-G.
Other names: c.34A>G, p.Met12Val (NM_001098209.2, NM_001098210.2); c.13A>G, p.Met5Val (NM_001330729.2); short protein forms M12V, M5V.
Identifiers: ClinVar variation 3719206 (VCV003719206.2).